The following is an entry in ClinVar:

ClinVar aggregate classification (germline): Pathogenic (0 of 4 stars; one submission).

Conditions:
Fanconi anemia complementation group B (FANCB). Also called: FANCB-Related Fanconi Anemia; FANCONI PANCYTOPENIA, TYPE 2. Identifiers: Orphanet 84, MedGen C1845292, MONDO:0010351, OMIM 300514.

Submission:

Leiden Open Variation Database
Classification: Pathogenic for Fanconi anemia complementation group B. Last evaluated: 2020-02-28. Review status: no assertion criteria provided. Collection method: curation. Allele origin: germline. Affected: yes.
Comment: Curator: Arleen D. Auerbach. Submitter to LOVD: Johan de Winter.

NM_001018113.3(FANCB):c.755_767del (p.Leu252fs)

Gene: FANCB (FA complementation group B; minus strand). Cytogenetic location: Xp22.2.
Variant type: Deletion.
Coding change: c.755_767del on transcript NM_001018113.3 (MANE Select); coding-DNA positions 755 to 767, 13 bases deleted (TAAGAATATCTCT).
Protein change: p.Leu252fs; shifts the reading frame from leucine 252.
Molecular consequence: frameshift variant.
Genome position (GRCh38, 1-based): chrX:14,864,744-14,864,756, AGAGATATTCTTA deleted on the plus strand (TAAGAATATCTCT on the coding strand, the reverse complement: FANCB is on the minus strand); deleting any 13 consecutive bases within chrX:14,864,744-14,864,757 gives the same sequence; the c. name uses the placement nearest the transcript's 3' end. VCF-style (leftmost placement, unchanged base first): chrX-14864743-GAGAGATATTCTTA-G. GRCh37 (hg19) VCF-style: chrX-14882865-GAGAGATATTCTTA-G.
Other names: c.755_767del, p.Leu252fs (NM_001324162.2, NM_152633.4); short protein forms L252fs.
Identifiers: ClinVar variation 691300 (VCV000691300.2), dbSNP rs1602005463, ClinGen allele CA915950781.